The following is an entry in ClinVar:

ClinVar aggregate classification (germline): Uncertain significance. Review status: criteria provided, multiple submitters, no conflicts (2 of 4 stars). 2 submissions from 2 submitters: Uncertain significance (2). Last evaluated 2025-11-01.

gnomAD v4.1: 15 of 1,269,134 alleles (0.0012%); highest among the groups gnomAD compares: Non-Finnish European, 0.0014%; no homozygotes.

Submissions (2):

CeGaT Center for Human Genetics Tuebingen
Classification: Uncertain significance. Last evaluated: 2025-11-01. Review status: criteria provided, single submitter. Criteria: CeGaT Center For Human Genetics Tuebingen Variant Classification Criteria Version 2. Collection method: clinical testing. Allele origin: germline. Affected: yes. Observed: 1 variant allele.
Comment: NOTCH3: PM2, PP3

Labcorp Genetics (formerly Invitae), Labcorp
Classification: Uncertain significance. Last evaluated: 2025-02-06. Review status: criteria provided, single submitter. Criteria: Invitae Variant Classification Sherloc (09022015). Collection method: clinical testing. Allele origin: germline.
Comment: This sequence change replaces proline, which is neutral and non-polar, with serine, which is neutral and polar, at codon 1343 of the NOTCH3 protein (p.Pro1343Ser). This variant is not present in population databases (gnomAD no frequency). This variant has not been reported in the literature in individuals affected with NOTCH3-related conditions. Invitae Evidence Modeling of protein sequence and biophysical properties (such as structural, functional, and spatial information, amino acid conservation, physicochemical variation, residue mobility, and thermodynamic stability) indicates that this missense variant is not expected to disrupt NOTCH3 protein function with a negative predictive value of 95%. In summary, the available evidence is currently insufficient to determine the role of this variant in disease. Therefore, it has been classified as a Variant of Uncertain Significance.

NM_000435.3(NOTCH3):c.4027C>T (p.Pro1343Ser)

Gene: NOTCH3 (notch receptor 3; minus strand). Cytogenetic location: 19p13.12.
Variant type: single nucleotide variant.
Coding change: c.4027C>T on transcript NM_000435.3 (MANE Select); coding-DNA position 4027, C replaced by T.
Protein change: p.Pro1343Ser; replaces proline 1343 with serine.
Molecular consequence: missense variant.
Genome position (GRCh38, 1-based): chr19:15,177,901, G>A on the plus strand (C>T on the coding strand, the complement: NOTCH3 is on the minus strand). VCF-style: chr19-15177901-G-A. GRCh37 (hg19) VCF-style: chr19-15288712-G-A.
Other names: short protein forms P1343S.
Identifiers: ClinVar variation 4534568 (VCV004534568.7).